The following is an entry in ClinVar:

ClinVar aggregate classification (germline): Conflicting classifications of pathogenicity. Review status: criteria provided, conflicting classifications (1 of 4 stars). 2 submissions from 2 submitters: Uncertain significance (1); Likely benign (1). Last evaluated 2023-03-23.

Conditions:
Hereditary cancer-predisposing syndrome. Also called: Tumor predisposition; Neoplastic Syndromes, Hereditary; Hereditary neoplastic syndrome; Hereditary Cancer Syndrome. Identifiers: Orphanet 140162, MedGen C0027672, MeSH D009386, MONDO:0015356.

Submissions (2):

University of Washington Department of Laboratory Medicine, University of Washington
Classification: Likely benign for Hereditary cancer-predisposing syndrome. Last evaluated: 2023-03-23. Review status: criteria provided, single submitter. Criteria: Dines et al. (Genet Med. 2020). Collection method: curation. Allele origin: germline.
Comment: Missense variant in a coldspot region where missense variants are very unlikely to be pathogenic (PMID:31911673).

BRCA1 coldspot (exon 11 using historical exon numbering). Reclassification based on statistical prior probability

Women's Health and Genetics/Laboratory Corporation of America, LabCorp
Classification: Uncertain significance. Last evaluated: 2018-06-04. Review status: criteria provided, single submitter. Criteria: LabCorp Variant Classification Summary - May 2015. Collection method: clinical testing. Allele origin: germline.
Comment: Variant summary: BRCA1 c.2183G>C (p.Arg728Thr) results in a non-conservative amino acid change in the encoded protein sequence. Three of five in-silico tools predict a benign effect of the variant on protein function. The variant was absent in 245450 control chromosomes (gnomAD). The available data on variant occurrences in the general population are insufficient to allow any conclusion about variant significance. To our knowledge, no occurrence of c.2183G>C in individuals affected with Hereditary Breast and Ovarian Cancer and no experimental evidence demonstrating its impact on protein function have been reported. No clinical diagnostic laboratories have submitted clinical-significance assessments for this variant to ClinVar after 2014. Based on the evidence outlined above, the variant was classified as uncertain significance.

NM_007294.4(BRCA1):c.2183G>C (p.Arg728Thr)

Gene: BRCA1 (BRCA1 DNA repair associated; minus strand). Cytogenetic location: 17q21.31.
Variant type: single nucleotide variant.
Coding change: c.2183G>C on transcript NM_007294.4 (MANE Select); coding-DNA position 2183, G replaced by C.
Protein change: p.Arg728Thr; replaces arginine 728 with threonine.
Molecular consequence: missense variant. On other transcripts: intron variant (137).
Genome position (GRCh38, 1-based): chr17:43,093,348, C>G on the plus strand (G>C on the coding strand, the complement: BRCA1 is on the minus strand). VCF-style: chr17-43093348-C-G. GRCh37 (hg19) VCF-style: chr17-41245365-C-G.
Other names: c.2039G>C, p.Arg680Thr (NM_001407964.1, NM_001407740.1, NM_001407741.1 and 20 more transcripts); c.1679G>C, p.Arg560Thr (NM_001407965.1); c.1295G>C, p.Arg432Thr (NM_001407966.1, NM_001407967.1); c.2042G>C, p.Arg681Thr (NM_007297.4, NM_001407692.1, NM_001407694.1 and 29 more transcripts); c.2183G>C, p.Arg728Thr (NM_007300.4, NM_001407581.1, NM_001407582.1 and 30 more transcripts); c.646+1396G>C (NM_001408458.1, NM_001408469.1, NM_001408453.1 and 11 more transcripts); c.283+1396G>C (NM_001408512.1); c.406+1396G>C (NM_001408510.1); and 41 more; short protein forms R728T, R681T, R600T, R640T, R657T, R661T, R687T, R727T.
Identifiers: ClinVar variation 633093 (VCV000633093.4), dbSNP rs80357335, ClinGen allele CA10597638.
Genomic context (GRCh38, chr17:43,093,348, plus strand): 5'-TTGGGGTCTTCAGCATTATTAGACACTTTAACTGTTTCTAGTTTCTCTTCTTTTTCTTCT[C>G]TTGGAAGGCTAGGATTGACAAATTCTTTAAGTTCACTGGTATTTGAACACTTAGTAAAAG-3'
Protein context (NP_009225.1, residues 718-738): LKEFVNPSLP[Arg728Thr]EEKEEKLETV